The following is an entry in ClinVar:

NM_177438.3(DICER1):c.3270-5T>C

Gene: DICER1 (dicer 1, ribonuclease III; minus strand). Cytogenetic location: 14q32.13.
Variant type: single nucleotide variant.
Coding change: c.3270-5T>C on transcript NM_177438.3 (MANE Select); 5 bases into the intron before coding-DNA position 3270, T replaced by C.
Molecular consequence: intron variant.
Genome position (GRCh38, 1-based): chr14:95,104,131, A>G on the plus strand (T>C on the coding strand, the complement: DICER1 is on the minus strand). VCF-style: chr14-95104131-A-G. GRCh37 (hg19) VCF-style: chr14-95570468-A-G.
Other names: c.3270-5T>C (NM_001291628.2, NM_030621.4, NM_001395677.1 and 12 more transcripts); c.2865-5T>C (NM_001395690.1, NM_001395687.1, NM_001395689.1 and 2 more transcripts); c.2988-5T>C (NM_001395686.1); c.2703-5T>C (NM_001395691.1); c.1587-5T>C (NM_001395697.1).
Identifiers: ClinVar variation 2888698 (VCV002888698.3), dbSNP rs2542724019, ClinGen allele CA2626315188.

ClinVar aggregate classification (germline): Uncertain significance (1 of 4 stars; one submission).

Conditions:
DICER1-related tumor predisposition. Also called: DICER1-related pleuropulmonary blastoma cancer predisposition syndrome; DICER1 syndrome. Identifiers: Orphanet 284343, MedGen C3839822, MONDO:0100216.

Allele frequency attached by ClinVar (database versions not stated): gnomAD exomes below 0.00001.
gnomAD v4.1: 1 of 1,609,286 alleles (0.000062%); highest among the groups gnomAD compares: South Asian, 0.0011%; no homozygotes.

Submission:

Labcorp Genetics (formerly Invitae), Labcorp
Classification: Uncertain significance for DICER1-related tumor predisposition. Last evaluated: 2024-01-04. Review status: criteria provided, single submitter. Criteria: Invitae Variant Classification Sherloc (09022015). Collection method: clinical testing. Allele origin: germline.
Comment: This sequence change falls in intron 20 of the DICER1 gene. It does not directly change the encoded amino acid sequence of the DICER1 protein. This variant is not present in population databases (gnomAD no frequency). This variant has not been reported in the literature in individuals affected with DICER1-related conditions. Algorithms developed to predict the effect of sequence changes on RNA splicing suggest that this variant may disrupt the consensus splice site. In summary, the available evidence is currently insufficient to determine the role of this variant in disease. Therefore, it has been classified as a Variant of Uncertain Significance.